The following is an entry in ClinVar:

NM_003748.4(ALDH4A1):c.1093A>C (p.Lys365Gln)

Gene: ALDH4A1 (aldehyde dehydrogenase 4 family member A1; minus strand). Cytogenetic location: 1p36.13.
Variant type: single nucleotide variant.
Coding change: c.1093A>C on transcript NM_003748.4 (MANE Select); coding-DNA position 1093, A replaced by C.
Protein change: p.Lys365Gln; replaces lysine 365 with glutamine.
Molecular consequence: missense variant.
Genome position (GRCh38, 1-based): chr1:18,877,460, T>G on the plus strand (A>C on the coding strand, the complement: ALDH4A1 is on the minus strand). VCF-style: chr1-18877460-T-G. GRCh37 (hg19) VCF-style: chr1-19203954-T-G.
Other names: c.913A>C, p.Lys305Gln (NM_001161504.2); c.1093A>C, p.Lys365Gln (NM_001319218.2, NM_170726.3); short protein forms K305Q, K365Q.
Identifiers: ClinVar variation 657025 (VCV000657025.6), dbSNP rs770756077, ClinGen allele CA647077.
Genomic context (GRCh38, chr1:18,877,460, plus strand): 5'-TGACGGTGCCACTCACGTCGCCCACTTTGATCCGACTGTGCTCCTCCAGCAGCCGCCCTT[T>G]GATCTGCGGCCACAGCGAGTGCGGCACGTAGAGACGCGAGCACGCGGAACACTTCTGGCC-3'
Protein context (NP_003739.2, residues 355-375): YVPHSLWPQI[Lys365Gln]GRLLEEHSRI

ClinVar aggregate classification (germline): Uncertain significance (1 of 4 stars; one submission).

Conditions:
Hyperprolinemia type 2 (HYRPRO2). Also called: Deficiency of pyrroline-5-carboxylate reductase; Delta-1-pyrroline-5-carboxylate dehydrogenase deficiency; 1-PYRROLINE-5-CARBOXYLATE DEHYDROGENASE DEFICIENCY. Identifiers: Orphanet 79101, MedGen C2931835, MONDO:0009401, OMIM 239510.

Allele frequency attached by ClinVar (database versions not stated): gnomAD exomes below 0.00001; ExAC 0.00002.
gnomAD v4.1: 32 of 1,594,958 alleles (0.002%); highest among the groups gnomAD compares: Non-Finnish European, 0.0027%; no homozygotes.

Submission:

Labcorp Genetics (formerly Invitae), Labcorp
Classification: Uncertain significance for Hyperprolinemia type 2. Last evaluated: 2018-07-12. Review status: criteria provided, single submitter. Criteria: Invitae Variant Classification Sherloc (09022015). Collection method: clinical testing. Allele origin: germline.
Comment: This sequence change replaces lysine with glutamine at codon 365 of the ALDH4A1 protein (p.Lys365Gln). The lysine residue is moderately conserved and there is a small physicochemical difference between lysine and glutamine. This variant is present in population databases (rs770756077, ExAC 0.005%). This variant has not been reported in the literature in individuals with ALDH4A1-related disease. Algorithms developed to predict the effect of missense changes on protein structure and function are either unavailable or do not agree on the potential impact of this missense change (SIFT: "Tolerated"; PolyPhen-2: "Possibly Damaging"; Align-GVGD: "Class C0"). In summary, the available evidence is currently insufficient to determine the role of this variant in disease. Therefore, it has been classified as a Variant of Uncertain Significance.